The following is an entry in ClinVar:

NM_014845.6(FIG4):c.995G>A (p.Trp332Ter)

Gene: FIG4 (FIG4 phosphoinositide 5-phosphatase; plus strand). Cytogenetic location: 6q21.
Variant type: single nucleotide variant.
Coding change: c.995G>A on transcript NM_014845.6 (MANE Select); coding-DNA position 995, G replaced by A.
Protein change: p.Trp332Ter; replaces tryptophan 332 with a stop codon.
Molecular consequence: nonsense.
Genome position (GRCh38, 1-based): chr6:109,743,228, G>A. VCF-style: chr6-109743228-G-A. GRCh37 (hg19) VCF-style: chr6-110064431-G-A.
Other names: short protein forms W332*.
Identifiers: ClinVar variation 4753755 (VCV004753755.1).

ClinVar aggregate classification (germline): Pathogenic (1 of 4 stars; one submission).

Conditions:
Charcot-Marie-Tooth disease type 4. Also called: Charcot-Marie-Tooth, Type 4; Charcot-Marie-Tooth disease, type IV. Identifiers: Orphanet 64749, MedGen C4082197, MONDO:0018995.

Submission:

Labcorp Genetics (formerly Invitae), Labcorp
Classification: Pathogenic for Charcot-Marie-Tooth disease type 4. Last evaluated: 2025-12-31. Review status: criteria provided, single submitter. Criteria: Invitae Variant Classification Sherloc (09022015). Collection method: clinical testing. Allele origin: germline.
Comment: This sequence change creates a premature translational stop signal (p.Trp332*) in the FIG4 gene. It is expected to result in an absent or disrupted protein product. Loss-of-function variants in FIG4 are known to be pathogenic (PMID: 23623387, 30740813). This variant is not present in population databases (gnomAD no frequency). This variant has not been reported in the literature in individuals affected with FIG4-related conditions. For these reasons, this variant has been classified as Pathogenic.

Literature cited by the submitters: PubMed 23623387; PubMed 30740813.